The following is an entry in ClinVar:

ClinVar aggregate classification (germline): Likely benign. Review status: criteria provided, multiple submitters, no conflicts (2 of 4 stars). 2 submissions from 2 submitters: Likely benign (2). Last evaluated 2024-03-01.

Conditions:
Charcot-Marie-Tooth disease axonal type 2O. Also called: Charcot-Marie-Tooth disease, axonal, type 20; CHARCOT-MARIE-TOOTH NEUROPATHY, AXONAL, TYPE 2O; CHARCOT-MARIE-TOOTH DISEASE, AXONAL, AUTOSOMAL DOMINANT, TYPE 2O; Charcot-Marie-Tooth Neuropathy Type 2O. Identifiers: Orphanet 284232, MedGen C3280220, MONDO:0013644, OMIM 614228.

Allele frequency attached by ClinVar (database versions not stated): ExAC 0.00001; gnomAD exomes 0.00001.
gnomAD v4.1: 3 of 1,614,208 alleles (0.00019%); highest among the groups gnomAD compares: South Asian, 0.0022%; no homozygotes.

Submissions (2):

CeGaT Center for Human Genetics Tuebingen
Classification: Likely benign. Last evaluated: 2024-03-01. Review status: criteria provided, single submitter. Criteria: CeGaT Center For Human Genetics Tuebingen Variant Classification Criteria Version 2. Collection method: clinical testing. Allele origin: germline. Affected: yes. Observed: 1 variant allele.
Comment: DYNC1H1: BP4, BP7

Labcorp Genetics (formerly Invitae), Labcorp
Classification: Likely benign for Charcot-Marie-Tooth disease axonal type 2O. Last evaluated: 2023-04-09. Review status: criteria provided, single submitter. Criteria: Invitae Variant Classification Sherloc (09022015). Collection method: clinical testing. Allele origin: germline.

NM_001376.5(DYNC1H1):c.6903C>T (p.Ile2301=)

Gene: DYNC1H1 (dynein cytoplasmic 1 heavy chain 1; plus strand). Cytogenetic location: 14q32.31.
Variant type: single nucleotide variant.
Coding change: c.6903C>T on transcript NM_001376.5 (MANE Select); coding-DNA position 6903, C replaced by T.
Protein change: p.Ile2301=; no amino-acid change (isoleucine 2301 retained).
Molecular consequence: synonymous variant.
Genome position (GRCh38, 1-based): chr14:102,012,359, C>T. VCF-style: chr14-102012359-C-T. GRCh37 (hg19) VCF-style: chr14-102478696-C-T.
Identifiers: ClinVar variation 1464031 (VCV001464031.29), dbSNP rs770388642, ClinGen allele CA7352706.